The following is an entry in ClinVar:

NM_000214.3(JAG1):c.3096T>G (p.Thr1032=)

Gene: JAG1 (jagged canonical Notch ligand 1; minus strand). Cytogenetic location: 20p12.2.
Variant type: single nucleotide variant.
Coding change: c.3096T>G on transcript NM_000214.3 (MANE Select); coding-DNA position 3096, T replaced by G.
Protein change: p.Thr1032=; no amino-acid change (threonine 1032 retained).
Molecular consequence: synonymous variant.
Genome position (GRCh38, 1-based): chr20:10,640,886, A>C on the plus strand (T>G on the coding strand, the complement: JAG1 is on the minus strand). VCF-style: chr20-10640886-A-C. GRCh37 (hg19) VCF-style: chr20-10621534-A-C.
Identifiers: ClinVar variation 4978583 (VCV004978583.1).

ClinVar aggregate classification (germline): Likely benign (1 of 4 stars; one submission).

Conditions:
JAG1-related disorder. Also called: JAG1-related disorders; JAG1-related condition.

gnomAD v4.1: 1 of 1,614,200 alleles (0.000062%); no homozygotes.

Submission:

PreventionGenetics, part of Exact Sciences
Classification: Likely benign for JAG1-related condition. Last evaluated: 2025-10-27. Review status: criteria provided, single submitter. Criteria: ACMG Guidelines, 2015. Collection method: clinical testing. Allele origin: germline.
Comment: This variant is classified as likely benign based on ACMG/AMP sequence variant interpretation guidelines (Richards et al. 2015 PMID: 25741868, with internal and published modifications).